The following is an entry in ClinVar:

ClinVar aggregate classification (germline): Conflicting classifications of pathogenicity. Review status: criteria provided, conflicting classifications (1 of 4 stars). 5 submissions from 5 submitters: Uncertain significance (2); Likely benign (3). Last evaluated 2025-12-14.

Conditions:
Atrial fibrillation, familial, 7 (ATFB7). Identifiers: MedGen C2677106, MONDO:0012828, OMIM 612240.

Allele frequency attached by ClinVar (database versions not stated): TOPMed 0.00011; gnomAD 0.00019; ESP Exome Variant Server 0.00023; 1000 Genomes Project 0.00040; 1000 Genomes Project 30x 0.00047.

Submissions (5):

Labcorp Genetics (formerly Invitae), Labcorp
Classification: Likely benign for Atrial fibrillation, familial, 7. Last evaluated: 2025-12-14. Review status: criteria provided, single submitter. Criteria: Invitae Variant Classification Sherloc (09022015). Collection method: clinical testing. Allele origin: germline.

Women's Health and Genetics/Laboratory Corporation of America, LabCorp
Classification: Likely benign. Last evaluated: 2023-11-05. Review status: criteria provided, single submitter. Criteria: LabCorp Variant Classification Summary - May 2015. Collection method: clinical testing. Allele origin: germline.

CeGaT Center for Human Genetics Tuebingen
Classification: Likely benign. Last evaluated: 2022-10-01. Review status: criteria provided, single submitter. Criteria: CeGaT Center For Human Genetics Tuebingen Variant Classification Criteria Version 2. Collection method: clinical testing. Allele origin: germline. Affected: yes. Observed: 1 variant allele.
Comment: KCNA5: BS2

Illumina Laboratory Services, Illumina
Classification: Uncertain significance for Atrial fibrillation, familial, 7. Last evaluated: 2018-01-12. Review status: criteria provided, single submitter. Criteria: ICSL Variant Classification Criteria 13 December 2019. Collection method: clinical testing. Allele origin: germline.

Biesecker Lab/Clinical Genomics Section, National Institutes of Health
Classification: Uncertain significance. Last evaluated: 2013-06-24. Review status: criteria provided, single submitter. Criteria: Ng et al. (Circ Cardiovasc Genet. 2013). Collection method: research. Allele origin: unknown. Observed: 2 variant alleles. Study: ClinSeq.
Comment: The study set was not selected for affection status in relation to any cancer. Pathogenicity categories were based on literature curation. See Pubmed ID:23861362 for details.

Medical sequencing

NM_002234.4(KCNA5):c.898G>A (p.Gly300Ser)

Gene: KCNA5 (potassium voltage-gated channel subfamily A member 5; plus strand). Cytogenetic location: 12p13.32.
Variant type: single nucleotide variant.
Coding change: c.898G>A on transcript NM_002234.4 (MANE Select); coding-DNA position 898, G replaced by A.
Protein change: p.Gly300Ser; replaces glycine 300 with serine.
Molecular consequence: missense variant.
Genome position (GRCh38, 1-based): chr12:5,045,045, G>A. VCF-style: chr12-5045045-G-A. GRCh37 (hg19) VCF-style: chr12-5154211-G-A.
Other names: short protein forms G300S.
Identifiers: ClinVar variation 191462 (VCV000191462.43), dbSNP rs148708451, ClinGen allele CA236719.